The following is an entry in ClinVar:

NM_147127.5(EVC2):c.3410C>T (p.Ala1137Val)

Gene: EVC2 (EvC ciliary complex subunit 2; minus strand). Cytogenetic location: 4p16.2.
Variant type: single nucleotide variant.
Coding change: c.3410C>T on transcript NM_147127.5 (MANE Select); coding-DNA position 3410, C replaced by T.
Protein change: p.Ala1137Val; replaces alanine 1137 with valine.
Molecular consequence: missense variant.
Genome position (GRCh38, 1-based): chr4:5,568,591, G>A on the plus strand (C>T on the coding strand, the complement: EVC2 is on the minus strand). VCF-style: chr4-5568591-G-A. GRCh37 (hg19) VCF-style: chr4-5570318-G-A.
Other names: c.3170C>T, p.Ala1057Val (NM_001166136.2); short protein forms A1137V, A1057V.
Identifiers: ClinVar variation 2933130 (VCV002933130.3), dbSNP rs771699143, ClinGen allele CA2834323.

ClinVar aggregate classification (germline): Uncertain significance (1 of 4 stars; one submission).

Conditions:
Curry-Hall syndrome (WAD). Also called: WEYERS ACRODENTAL DYSOSTOSIS. Identifiers: Orphanet 952, MedGen C0457013, MONDO:0008673, OMIM 193530.
Ellis-van Creveld syndrome (EVC). Also called: EVC-Related Ellis-van Creveld Syndrome; EVC2-Related Ellis-van Creveld Syndrome; MESOECTODERMAL DYSPLASIA; Chondroectodermal dysplasia. Identifiers: Orphanet 289, MedGen C0013903, MONDO:0009162, OMIM 225500.

Allele frequency attached by ClinVar (database versions not stated): ExAC 0.00001.
gnomAD v4.1: 2 of 1,608,542 alleles (0.00012%); highest among the groups gnomAD compares: African/African-American, 0.0013%; no homozygotes.

Submission:

Labcorp Genetics (formerly Invitae), Labcorp
Classification: Uncertain significance for Curry-Hall syndrome; Ellis-van Creveld syndrome. Last evaluated: 2024-01-12. Review status: criteria provided, single submitter. Criteria: Invitae Variant Classification Sherloc (09022015). Collection method: clinical testing. Allele origin: germline.
Comment: This sequence change replaces alanine, which is neutral and non-polar, with valine, which is neutral and non-polar, at codon 1137 of the EVC2 protein (p.Ala1137Val). The frequency data for this variant in the population databases is considered unreliable, as metrics indicate poor data quality at this position in the gnomAD database. This variant has not been reported in the literature in individuals affected with EVC2-related conditions. An algorithm developed to predict the effect of missense changes on protein structure and function (PolyPhen-2) suggests that this variant is likely to be tolerated. In summary, the available evidence is currently insufficient to determine the role of this variant in disease. Therefore, it has been classified as a Variant of Uncertain Significance.